The following is an entry in ClinVar:

ClinVar aggregate classification (germline): Pathogenic. Review status: criteria provided, multiple submitters, no conflicts (2 of 4 stars). 2 submissions from 2 submitters: Pathogenic (2). Last evaluated 2024-05-08.

Conditions:
Congenital hyperammonemia, type I. Also called: Carbamoyl-phosphate synthase I deficiency; Carbamoyl phosphate synthetase 1 deficiency; Hyperammonemia due to carbamoyl phosphate synthetase 1 deficiency; CPS 1 deficiency; Carbamyl phosphate synthetase (CPS) deficiency; CPS I DEFICIENCY. Identifiers: Orphanet 147, MedGen C4082171, MONDO:0009376, OMIM 237300.

Submissions (2):

Myriad Genetics, Inc.
Classification: Pathogenic for Congenital hyperammonemia, type I. Last evaluated: 2024-05-08. Review status: criteria provided, single submitter. Criteria: Myriad Autosomal Dominant, Autosomal Recessive and X-Linked Classification Criteria (2023). Collection method: clinical testing. Allele origin: unknown.
Comment: NM_001875.4(CPS1):c.3915T>A(Y1305*) is expected to be pathogenic in the context of carbamoylphosphate synthetase I deficiency. This variant is predicted to lead to an abnormal or absent protein product due to the creation of a premature termination codon in CPS1, a gene where loss-of-function variants are known to be pathogenic. Please note: this variant was assessed in the context of healthy population screening.

Labcorp Genetics (formerly Invitae), Labcorp
Classification: Pathogenic for Congenital hyperammonemia, type I. Last evaluated: 2019-12-21. Review status: criteria provided, single submitter. Criteria: Invitae Variant Classification Sherloc (09022015). Collection method: clinical testing. Allele origin: germline.
Comment: For these reasons, this variant has been classified as Pathogenic. Loss-of-function variants in CPS1 are known to be pathogenic (PMID: 21120950). This variant has not been reported in the literature in individuals with CPS1-related conditions. This variant is not present in population databases (ExAC no frequency). This sequence change creates a premature translational stop signal (p.Tyr1305*) in the CPS1 gene. It is expected to result in an absent or disrupted protein product.

Literature cited by the submitters: PubMed 21120950 (cited by Labcorp Genetics (formerly Invitae), Labcorp).

NM_001875.5(CPS1):c.3915T>A (p.Tyr1305Ter)

Gene: CPS1 (carbamoyl-phosphate synthase 1; plus strand). Cytogenetic location: 2q34.
Variant type: single nucleotide variant.
Coding change: c.3915T>A on transcript NM_001875.5 (MANE Select); coding-DNA position 3915, T replaced by A.
Protein change: p.Tyr1305Ter; replaces tyrosine 1305 with a stop codon.
Molecular consequence: nonsense. On other transcripts: non-coding transcript variant (2).
Genome position (GRCh38, 1-based): chr2:210,660,643, T>A. VCF-style: chr2-210660643-T-A. GRCh37 (hg19) VCF-style: chr2-211525367-T-A.
Other names: c.3915T>A, p.Tyr1305Ter (NM_001122633.3, NM_001369257.1); c.3948T>A, p.Tyr1316Ter (NM_001369256.1); short protein forms Y1305*, Y1316*.
Identifiers: ClinVar variation 863101 (VCV000863101.9), dbSNP rs1700887978, ClinGen allele CA350438745.